The following is an entry in ClinVar:

NM_001267550.2(TTN):c.87488A>G (p.Lys29163Arg)

Genes: TTN (titin; minus strand), TTN-AS1 (TTN antisense RNA 1; plus strand). Cytogenetic location: 2q31.2.
Variant type: single nucleotide variant.
Coding change: c.87488A>G on transcript NM_001267550.2 (MANE Select); coding-DNA position 87488, A replaced by G.
Protein change: p.Lys29163Arg; replaces lysine 29163 with arginine.
Molecular consequence: missense variant.
Genome position (GRCh38, 1-based): chr2:178,557,866, T>C on the plus strand (A>G on the coding strand, the complement: TTN is on the minus strand). VCF-style: chr2-178557866-T-C. GRCh37 (hg19) VCF-style: chr2-179422593-T-C.
Other names: p.K27522R:AAG>AGG; c.82565A>G, p.Lys27522Arg (NM_001256850.1); c.60293A>G, p.Lys20098Arg (NM_003319.4); c.79784A>G, p.Lys26595Arg (NM_133378.4); c.60668A>G, p.Lys20223Arg (NM_133432.3); c.60869A>G, p.Lys20290Arg (NM_133437.4); short protein forms K27522R, K29163R, K26595R, K20290R, K20223R, K20098R.
Identifiers: ClinVar variation 202941 (VCV000202941.2), dbSNP rs794729521, ClinGen allele CA310753.
Genomic context (GRCh38, chr2:178,557,866, plus strand): 5'-GCAGTACTTGTTTCTCTTTTGAGTAGAATGTAGTTGGTAACTTGACTTCCACCGTCATAC[T>C]TAGGTGGCTCCCATTTGAGAGTCACACTTTCTTCAGTTATATCACTAATAACAACAGGGC-3'
Protein context (NP_001254479.2, residues 29153-29173): ESVTLKWEPP[Lys29163Arg]YDGGSQVTNY

ClinVar aggregate classification (germline): Uncertain significance (1 of 4 stars; one submission).

Submission:

GeneDx
Classification: Uncertain significance. Last evaluated: 2013-01-28. Review status: criteria provided, single submitter. Criteria: GeneDx Variant Classification (06012015). Collection method: clinical testing. Allele origin: germline. Affected: yes.
Comment: Missense variants in the TTN gene are considered 'unclassified' if they are not previously reported in the literature and do not have >1% frequency in the population to be considered a polymorphism. Research indicates that truncating mutations in the TTN gene are expected to account for approximately 25% of familial and 18% of sporadic idiopathic DCM; however, truncating variants in the TTN gene have been reported in approximately 3% of reported control alleles. There has been little investigation into non-truncating variants. (Herman D et al. Truncations of titin causing dilated cardiomyopathy. N Eng J Med 366:619-628, 2012) The variant is found in DCM panel(s).